The following is an entry in ClinVar:

ClinVar aggregate classification (germline): Uncertain significance (1 of 4 stars; one submission).

gnomAD v4.1: 1 of 1,613,890 alleles (0.000062%); highest among the groups gnomAD compares: Non-Finnish European, 0.000085%; no homozygotes.

Submission:

Labcorp Genetics (formerly Invitae), Labcorp
Classification: Uncertain significance. Last evaluated: 2022-10-14. Review status: criteria provided, single submitter. Criteria: Invitae Variant Classification Sherloc (09022015). Collection method: clinical testing. Allele origin: germline.
Comment: In summary, the available evidence is currently insufficient to determine the role of this variant in disease. Therefore, it has been classified as a Variant of Uncertain Significance. Variants that disrupt the consensus splice site are a relatively common cause of aberrant splicing (PMID: 17576681, 9536098). Algorithms developed to predict the effect of sequence changes on RNA splicing suggest that this variant is not likely to affect RNA splicing. This variant has not been reported in the literature in individuals affected with CACNA2D4-related conditions. This variant is not present in population databases (gnomAD no frequency). This sequence change falls in intron 5 of the CACNA2D4 gene. It does not directly change the encoded amino acid sequence of the CACNA2D4 protein. It affects a nucleotide within the consensus splice site.

Literature cited by the submitters: PubMed 17576681; PubMed 9536098.

NM_172364.5(CACNA2D4):c.649+6C>T

Gene: CACNA2D4 (calcium voltage-gated channel auxiliary subunit alpha2delta 4; minus strand). Cytogenetic location: 12p13.33.
Variant type: single nucleotide variant.
Coding change: c.649+6C>T on transcript NM_172364.5 (MANE Select); 6 bases into the intron after coding-DNA position 649, C replaced by T.
Molecular consequence: intron variant.
Genome position (GRCh38, 1-based): chr12:1,907,869, G>A on the plus strand (C>T on the coding strand, the complement: CACNA2D4 is on the minus strand). VCF-style: chr12-1907869-G-A. GRCh37 (hg19) VCF-style: chr12-2017035-G-A.
Identifiers: ClinVar variation 2027615 (VCV002027615.4), dbSNP rs369684560, ClinGen allele CA603038551.
Genomic context (GRCh38, chr12:1,907,869, plus strand): 5'-CGTGTCTGGTGGGTGTGCTAGGTGGGCGTGCCTGGTGAGTGTGCCTGAGCTGAGCGTGCC[G>A]GCTACCTTTGTTGTACACGTTGGTGGGCAGCTGCACGCTGCTGATGGAGGTGTTCACCGG-3'